The following is an entry in ClinVar:

NM_001267550.2(TTN):c.45338T>C (p.Val15113Ala)

Genes: TTN (titin; minus strand), LOC126806427 (BRD4-independent group 4 enhancer GRCh37_chr2:179485777-179486976; plus strand). Cytogenetic location: 2q31.2.
Variant type: single nucleotide variant.
Coding change: c.45338T>C on transcript NM_001267550.2 (MANE Select); coding-DNA position 45338, T replaced by C.
Protein change: p.Val15113Ala; replaces valine 15113 with alanine.
Molecular consequence: missense variant.
Genome position (GRCh38, 1-based): chr2:178,621,486, A>G on the plus strand (T>C on the coding strand, the complement: TTN is on the minus strand). VCF-style: chr2-178621486-A-G. GRCh37 (hg19) VCF-style: chr2-179486213-A-G.
Other names: p.V13472A:GTC>GCC; c.40415T>C, p.Val13472Ala (NM_001256850.1); c.18143T>C, p.Val6048Ala (NM_003319.4); c.37634T>C, p.Val12545Ala (NM_133378.4); c.18518T>C, p.Val6173Ala (NM_133432.3); c.18719T>C, p.Val6240Ala (NM_133437.4); short protein forms V13472A, V15113A, V12545A, V6173A, V6048A, V6240A.
Identifiers: ClinVar variation 202643 (VCV000202643.4), dbSNP rs794729437, ClinGen allele CA309847.

ClinVar aggregate classification (germline): Uncertain significance. Review status: criteria provided, multiple submitters, no conflicts (2 of 4 stars). 3 submissions from 3 submitters: Uncertain significance (2). 1 of the submissions does not count toward it. Last evaluated 2023-11-21.

Conditions:
TTN-related disorder. Also called: TTN-related disorders; TTN-related condition; TTN-related disease.

Allele frequency attached by ClinVar (database versions not stated): gnomAD exomes below 0.00001; TOPMed below 0.00001; gnomAD 0.00001.
gnomAD v4.1: 3 of 1,612,140 alleles (0.00019%); highest among the groups gnomAD compares: Non-Finnish European, 0.00025%; no homozygotes.

Submissions (3):

Revvity Omics, Revvity
Classification: Uncertain significance. Last evaluated: 2023-11-21. Review status: criteria provided, single submitter. Criteria: ACMG Guidelines, 2015. Collection method: clinical testing. Allele origin: germline.

GeneDx
Classification: Uncertain significance. Last evaluated: 2014-11-07. Review status: criteria provided, single submitter. Criteria: GeneDx Variant Classification (06012015). Collection method: clinical testing. Allele origin: germline. Affected: yes.
Comment: Missense variants in the TTN gene are considered 'unclassified' if they are not previously reported in the literature and do not have >1% frequency in the population to be considered a polymorphism. Research indicates that truncating mutations in the TTN gene are expected to account for approximately 25% of familial and 18% of sporadic idiopathic DCM; however, truncating variants in the TTN gene have been reported in approximately 3% of reported control alleles. There has been little investigation into non-truncating variants. (Herman D et al. Truncations of titin causing dilated cardiomyopathy. N Eng J Med 366:619-628, 2012) The variant is found in CARDIOMYOPATHY panel(s).

PreventionGenetics, part of Exact Sciences
Classification: Uncertain significance for TTN-related condition. Last evaluated: 2024-05-29. Review status: no assertion criteria provided. Collection method: clinical testing. Allele origin: germline. Not counted in ClinVar's aggregate classification.
Comment: The TTN c.45338T>C variant is predicted to result in the amino acid substitution p.Val15113Ala. To our knowledge, this variant has not been reported in the literature. This variant is reported in 0.00089% of alleles in individuals of European (Non-Finnish) descent in gnomAD. At this time, the clinical significance of this variant is uncertain due to the absence of conclusive functional and genetic evidence.